The following is an entry in ClinVar:

ClinVar aggregate classification (germline): Uncertain significance (1 of 4 stars; one submission).

Submission:

GeneDx
Classification: Uncertain significance. Last evaluated: 2022-08-23. Review status: criteria provided, single submitter. Criteria: GeneDx Variant Classification Process June 2021. Collection method: clinical testing. Allele origin: germline. Affected: yes.
Comment: Not observed at significant frequency in large population cohorts (gnomAD); In silico analysis supports that this missense variant has a deleterious effect on protein structure/function; Has not been previously published as pathogenic or benign to our knowledge

NM_001145809.2(MYH14):c.1517C>A (p.Thr506Asn)

Gene: MYH14 (myosin heavy chain 14; plus strand). Cytogenetic location: 19q13.33.
Variant type: single nucleotide variant.
Coding change: c.1517C>A on transcript NM_001145809.2 (MANE Select); coding-DNA position 1517, C replaced by A.
Protein change: p.Thr506Asn; replaces threonine 506 with asparagine.
Molecular consequence: missense variant.
Genome position (GRCh38, 1-based): chr19:50,249,684, C>A. VCF-style: chr19-50249684-C-A. GRCh37 (hg19) VCF-style: chr19-50752941-C-A.
Other names: c.1517C>A, p.Thr506Asn (NM_001077186.2); c.1493C>A, p.Thr498Asn (NM_024729.4); short protein forms T498N, T506N.
Identifiers: ClinVar variation 2430598 (VCV002430598.1), dbSNP rs2514359874, ClinGen allele CA406959586.